The following is an entry in ClinVar:

ClinVar aggregate classification (germline): Likely pathogenic (1 of 4 stars; one submission).

Submission:

Labcorp Genetics (formerly Invitae), Labcorp
Classification: Likely pathogenic. Last evaluated: 2023-08-10. Review status: criteria provided, single submitter. Criteria: Invitae Variant Classification Sherloc (09022015). Collection method: clinical testing. Allele origin: germline.
Comment: This variant is not present in population databases (gnomAD no frequency). In summary, the currently available evidence indicates that the variant is pathogenic, but additional data are needed to prove that conclusively. Therefore, this variant has been classified as Likely Pathogenic. Algorithms developed to predict the effect of sequence changes on RNA splicing suggest that this variant may disrupt the consensus splice site. This variant has been observed in individual(s) with clinical features of Alport syndrome (Invitae). In at least one individual the data is consistent with being in trans (on the opposite chromosome) from a pathogenic variant. It has also been observed to segregate with disease in related individuals. This sequence change falls in intron 31 of the COL4A4 gene. It does not directly change the encoded amino acid sequence of the COL4A4 protein.

NM_000092.5(COL4A4):c.2861-10A>G

Gene: COL4A4 (collagen type IV alpha 4 chain; minus strand). Cytogenetic location: 2q36.3.
Variant type: single nucleotide variant.
Coding change: c.2861-10A>G on transcript NM_000092.5 (MANE Select); 10 bases into the intron before coding-DNA position 2861, A replaced by G.
Molecular consequence: intron variant.
Genome position (GRCh38, 1-based): chr2:227,052,422, T>C on the plus strand (A>G on the coding strand, the complement: COL4A4 is on the minus strand). VCF-style: chr2-227052422-T-C. GRCh37 (hg19) VCF-style: chr2-227917138-T-C.
Identifiers: ClinVar variation 2855865 (VCV002855865.3), dbSNP rs2474012131, ClinGen allele CA2739278758.